The following is an entry in ClinVar:

NM_003482.4(KMT2D):c.13139C>T (p.Pro4380Leu)

Gene: KMT2D (lysine methyltransferase 2D; minus strand). Cytogenetic location: 12q13.12.
Variant type: single nucleotide variant.
Coding change: c.13139C>T on transcript NM_003482.4 (MANE Select); coding-DNA position 13139, C replaced by T.
Protein change: p.Pro4380Leu; replaces proline 4380 with leucine.
Molecular consequence: missense variant.
Genome position (GRCh38, 1-based): chr12:49,031,566, G>A on the plus strand (C>T on the coding strand, the complement: KMT2D is on the minus strand). VCF-style: chr12-49031566-G-A. GRCh37 (hg19) VCF-style: chr12-49425349-G-A.
Other names: short protein forms P4380L.
Identifiers: ClinVar variation 2068581 (VCV002068581.7), dbSNP rs771853264, ClinGen allele CA6546066.

ClinVar aggregate classification (germline): Conflicting classifications of pathogenicity. Review status: criteria provided, conflicting classifications (1 of 4 stars). 2 submissions from 2 submitters: Uncertain significance (1); Benign (1). Last evaluated 2025-11-22.

Conditions:
Kabuki syndrome. Also called: Kabuki make-up syndrome; NIIKAWA-KUROKI SYNDROME. Identifiers: Orphanet 2322, MedGen C0796004, MONDO:0016512.
KMT2D-related disorder. Also called: KMT2D-Related Disorders.

Allele frequency attached by ClinVar (database versions not stated): TOPMed 0.00002; gnomAD exomes 0.00003; gnomAD 0.00004; ExAC 0.00008.
gnomAD v4.1: 52 of 1,601,290 alleles (0.0032%); highest among the groups gnomAD compares: Middle Eastern, 0.066%; no homozygotes.

Submissions (2):

PreventionGenetics, part of Exact Sciences
Classification: Uncertain significance for KMT2D-related condition. Last evaluated: 2025-11-22. Review status: criteria provided, single submitter. Criteria: ACMG Guidelines, 2015. Collection method: clinical testing. Allele origin: germline.
Comment: The KMT2D c.13139C>T variant is predicted to result in the amino acid substitution p.Pro4380Leu. To our knowledge, this variant has not been reported in the literature. This variant is reported in 0.028% of alleles in individuals of South Asian descent in gnomAD. Although we suspect that this variant may be benign, at this time, the clinical significance of this variant is uncertain due to the absence of conclusive functional and genetic evidence.

Labcorp Genetics (formerly Invitae), Labcorp
Classification: Benign for Kabuki syndrome. Last evaluated: 2025-11-19. Review status: criteria provided, single submitter. Criteria: Invitae Variant Classification Sherloc (09022015). Collection method: clinical testing. Allele origin: germline.